The following is an entry in ClinVar:

NM_005902.4(SMAD3):c.*2995G>A

Gene: SMAD3 (SMAD family member 3; plus strand). Cytogenetic location: 15q22.33.
Variant type: single nucleotide variant.
Coding change: c.*2995G>A on transcript NM_005902.4 (MANE Select); 2995 bases downstream of the stop codon, G replaced by A.
Molecular consequence: 3 prime UTR variant.
Genome position (GRCh38, 1-based): chr15:67,193,531, G>A. VCF-style: chr15-67193531-G-A. GRCh37 (hg19) VCF-style: chr15-67485869-G-A.
Other names: c.*2995G>A (NM_001145102.2, NM_001145103.2, NM_001145104.2).
Identifiers: ClinVar variation 316950 (VCV000316950.6), dbSNP rs140694679, ClinGen allele CA10647333.
Genomic context (GRCh38, chr15:67,193,531, plus strand): 5'-GATGCTTCCAGCACATACGTAGGTAGCTACCCCAGCCGGTTTGGATTACAGGCCTGTGCT[G>A]GAACATCATCTCAGTTGGCCACCTTCCTGGCAGGCTGTAGACCTGACATTTTGAGACAAG-3'

ClinVar aggregate classification (germline): Likely benign (1 of 4 stars; one submission).

Conditions:
Aneurysm-osteoarthritis syndrome. Also called: SMAD3-Related Loeys-Dietz Syndrome; Loeys-Dietz syndrome, type 1C; ANEURYSMS-OSTEOARTHRITIS SYNDROME; LOEYS-DIETZ SYNDROME WITH OSTEOARTHRITIS. Identifiers: Orphanet 284984, MedGen C3151087, MONDO:0013426, OMIM 613795.

Allele frequency attached by ClinVar (database versions not stated): gnomAD 0.00052 and 0.00065; TOPMed 0.00077; 1000 Genomes Project 30x 0.00203; 1000 Genomes Project 0.00240; gnomAD exomes 0.00266.

Submission:

Illumina Laboratory Services, Illumina
Classification: Likely benign for Aneurysm-osteoarthritis syndrome. Last evaluated: 2017-04-27. Review status: criteria provided, single submitter. Criteria: ICSL Variant Classification Criteria 13 December 2019. Collection method: clinical testing. Allele origin: germline.
Comment: This variant was observed as part of a predisposition screen in an ostensibly healthy population. A literature search was performed for the gene, cDNA change, and amino acid change (where applicable). No publications were found based on this search. Allele frequency data from public databases allowed determination this variant is unlikely to cause disease. Therefore, this variant is classified as likely benign.